The following is an entry in ClinVar:

NM_000545.8(HNF1A):c.512G>A (p.Arg171Gln)

Gene: HNF1A (HNF1 homeobox A; plus strand). Cytogenetic location: 12q24.31.
Variant type: single nucleotide variant.
Coding change: c.512G>A on transcript NM_000545.8 (MANE Select); coding-DNA position 512, G replaced by A.
Protein change: p.Arg171Gln; replaces arginine 171 with glutamine.
Molecular consequence: missense variant.
Genome position (GRCh38, 1-based): chr12:120,989,018, G>A. VCF-style: chr12-120989018-G-A. GRCh37 (hg19) VCF-style: chr12-121426821-G-A.
Other names: c.512G>A (NM_000545.6); c.512G>A, p.Arg171Gln (NM_001306179.2, NM_001406915.1); short protein forms R171Q.
Identifiers: ClinVar variation 1807440 (VCV001807440.3), dbSNP rs765241951, ClinGen allele CA6831764.

ClinVar aggregate classification (germline): Uncertain significance. Review status: criteria provided, multiple submitters, no conflicts (2 of 4 stars). 3 submissions from 3 submitters: Uncertain significance (3). Last evaluated 2026-06-12.

Conditions:
HNF1A-related disorder. Also called: HNF1A-related condition.

Allele frequency attached by ClinVar (database versions not stated): ExAC 0.00001; gnomAD 0.00001; gnomAD exomes 0.00001.
gnomAD v4.1: 15 of 1,614,064 alleles (0.00093%); highest among the groups gnomAD compares: East Asian, 0.011%; no homozygotes.

Submissions (3):

PreventionGenetics, part of Exact Sciences
Classification: Uncertain significance for HNF1A-related condition. Last evaluated: 2026-06-12. Review status: criteria provided, single submitter. Criteria: ACMG Guidelines, 2015. Collection method: clinical testing. Allele origin: germline.
Comment: The HNF1A c.512G>A variant is predicted to result in the amino acid substitution p.Arg171Gln. This variant has been reported in the heterozygous state in three individuals from a family with MODY (maturity-onset diabetes of the young). This variant is reported in 0.015% of alleles in individuals of East Asian descent in gnomAD. An alternative substitution at the same amino acid position (p.Arg171Gly) has been reported in individuals with MODY (see for example: Radha et al. 2009. PubMed ID: 19336507; Balamurugan et al. 2016. PubMed ID: 26853433; Mohan et al. 2018. PubMed ID: 29439679). At this time, the clinical significance of this variant is uncertain due to the absence of conclusive functional and genetic evidence.

Labcorp Genetics (formerly Invitae), Labcorp
Classification: Uncertain significance. Last evaluated: 2025-09-20. Review status: criteria provided, single submitter. Criteria: Invitae Variant Classification Sherloc (09022015). Collection method: clinical testing. Allele origin: germline.
Comment: This sequence change replaces arginine, which is basic and polar, with glutamine, which is neutral and polar, at codon 171 of the HNF1A protein (p.Arg171Gln). This variant is present in population databases (rs765241951, gnomAD 0.02%). This missense change has been observed in individual(s) with diabetes (PMID: 32910913, 36567880). ClinVar contains an entry for this variant (Variation ID: 1807440). Invitae Evidence Modeling of protein sequence and biophysical properties (such as structural, functional, and spatial information, amino acid conservation, physicochemical variation, residue mobility, and thermodynamic stability) indicates that this missense variant is not expected to disrupt HNF1A protein function with a negative predictive value of 80%. Experimental studies have shown that this missense change affects HNF1A function (PMID: 32910913). This variant disrupts the p.Arg171 amino acid residue in HNF1A. Other variant(s) that disrupt this residue have been determined to be pathogenic (PMID: 19336507, 26853433, 29439679). This suggests that this residue is clinically significant, and that variants that disrupt this residue are likely to be disease-causing. In summary, the available evidence is currently insufficient to determine the role of this variant in disease. Therefore, it has been classified as a Variant of Uncertain Significance.

Athena Diagnostics
Classification: Uncertain significance. Last evaluated: 2022-04-13. Review status: criteria provided, single submitter. Criteria: Athena Diagnostics Criteria. Collection method: clinical testing. Allele origin: unknown.

Literature cited by the submitters: PubMed 32910913 (cited by Labcorp Genetics (formerly Invitae), Labcorp and Athena Diagnostics); PubMed 36567880 (cited by Labcorp Genetics (formerly Invitae), Labcorp); PubMed 19336507 (cited by Labcorp Genetics (formerly Invitae), Labcorp); PubMed 26853433 (cited by Labcorp Genetics (formerly Invitae), Labcorp); PubMed 29439679 (cited by Labcorp Genetics (formerly Invitae), Labcorp); PubMed 28572459 (cited by Athena Diagnostics).